The following is an entry in ClinVar:

NM_024426.6(WT1):c.364G>T (p.Gly122Trp)

Genes: WT1 (WT1 transcription factor; minus strand), LOC107982234 (WT1/WT1-AS bi-directional promoter region; plus strand). Cytogenetic location: 11p13.
Variant type: single nucleotide variant.
Coding change: c.364G>T on transcript NM_024426.6 (MANE Select); coding-DNA position 364, G replaced by T.
Protein change: p.Gly122Trp; replaces glycine 122 with tryptophan.
Molecular consequence: missense variant. On other transcripts: non-coding transcript variant (2).
Genome position (GRCh38, 1-based): chr11:32,434,997, C>A on the plus strand (G>T on the coding strand, the complement: WT1 is on the minus strand). VCF-style: chr11-32434997-C-A. GRCh37 (hg19) VCF-style: chr11-32456543-C-A.
Other names: c.364G>T, p.Gly122Trp (NM_000378.6, NM_001407044.1, NM_001407045.1 and 6 more transcripts); c.145G>T, p.Gly49Trp (NM_001429031.1, NM_001429032.1, NM_001429033.1 and 1 more transcripts); short protein forms G49W, G117W, G122W.
Identifiers: ClinVar variation 3982487 (VCV003982487.1).

ClinVar aggregate classification (germline): Uncertain significance (1 of 4 stars; one submission).

Conditions:
Inborn genetic diseases. Identifiers: MedGen C0950123, MeSH D030342.

Submission:

Ambry Genetics
Classification: Uncertain significance for Inborn genetic diseases. Last evaluated: 2025-06-08. Review status: criteria provided, single submitter. Criteria: Ambry Variant Classification Scheme 2023. Collection method: clinical testing. Allele origin: germline.
Comment: The p.G117W variant (also known as c.349G>T), located in coding exon 1 of the WT1 gene, results from a G to T substitution at nucleotide position 349. The glycine at codon 117 is replaced by tryptophan, an amino acid with highly dissimilar properties. This amino acid position is conserved. In addition, the in silico prediction for this alteration is inconclusive. Based on the available evidence, the clinical significance of this variant remains unclear.